The following is an entry in ClinVar:

ClinVar aggregate classification (germline): Uncertain significance (1 of 4 stars; one submission).

gnomAD v4.1: 59 of 471,594 alleles (0.013%); highest among the groups gnomAD compares: African/African-American, 0.11%; no homozygotes.

Submission:

Women's Health and Genetics/Laboratory Corporation of America, LabCorp
Classification: Uncertain significance. Last evaluated: 2024-11-06. Review status: criteria provided, single submitter. Criteria: LabCorp Variant Classification Summary - May 2015. Collection method: clinical testing. Allele origin: germline.
Comment: Variant summary: TIAM1 c.*1805C>G is located in the untranslated mRNA region downstream of the termination codon. The variant allele was found at a frequency of 7.8e-05 in 153850 control chromosomes. This frequency is not significantly higher than estimated for a pathogenic variant in TIAM1 causing Neurodevelopmental Disorder With Language Delay And Seizures, allowing no conclusion about variant significance. To our knowledge, no occurrence of c.*1805C>G in individuals affected with Neurodevelopmental Disorder With Language Delay And Seizures and no experimental evidence demonstrating its impact on protein function have been reported. No submitters have cited clinical-significance assessments for this variant to ClinVar. Based on the evidence outlined above, the variant was classified as uncertain significance.

NM_001353694.2(TIAM1):c.*1805C>G

Gene: TIAM1 (TIAM Rac1 associated GEF 1; minus strand). Cytogenetic location: 21q22.11.
Variant type: single nucleotide variant.
Coding change: c.*1805C>G on transcript NM_001353694.2 (MANE Select); 1805 bases downstream of the stop codon, C replaced by G.
Molecular consequence: 3 prime UTR variant.
Genome position (GRCh38, 1-based): chr21:31,118,563, G>C on the plus strand (C>G on the coding strand, the complement: TIAM1 is on the minus strand). VCF-style: chr21-31118563-G-C. GRCh37 (hg19) VCF-style: chr21-32490881-G-C.
Other names: c.*1805C>G (NM_001353684.2, NM_001353685.2, NM_001353686.2 and 8 more transcripts).
Identifiers: ClinVar variation 3629785 (VCV003629785.1).